The following is an entry in ClinVar:

ClinVar aggregate classification (germline): Benign. Review status: criteria provided, single submitter (1 of 4 stars). 2 submissions from 2 submitters: Benign (1). 1 of the submissions does not count toward it. Last evaluated 2018-07-04.

Conditions:
ZFHX2-related disorder. Also called: ZFHX2-related condition.

Allele frequency attached by ClinVar (database versions not stated): gnomAD exomes 0.00029 and 0.00097; 1000 Genomes Project 30x 0.00187; 1000 Genomes Project 0.00220; ExAC 0.00294; gnomAD 0.00323 and 0.00359; TOPMed 0.00366.
gnomAD v4.1: 867 of 1,466,900 alleles (0.059%); highest among the groups gnomAD compares: African/African-American, 1.2%; 5 homozygotes.

Submissions (2):

Labcorp Genetics (formerly Invitae), Labcorp
Classification: Benign. Last evaluated: 2018-07-04. Review status: criteria provided, single submitter. Criteria: Invitae Variant Classification Sherloc (09022015). Collection method: clinical testing. Allele origin: germline.

PreventionGenetics, part of Exact Sciences
Classification: Benign for ZFHX2-related condition. Last evaluated: 2019-06-06. Review status: no assertion criteria provided. Collection method: clinical testing. Allele origin: germline. Not counted in ClinVar's aggregate classification.
Comment: This variant is classified as benign based on ACMG/AMP sequence variant interpretation guidelines (Richards et al. 2015 PMID: 25741868, with internal and published modifications).

NM_033400.3(ZFHX2):c.4018T>G (p.Phe1340Val)

Genes: THTPA (thiamine triphosphatase; plus strand), ZFHX2 (zinc finger homeobox 2; minus strand). Cytogenetic location: 14q11.2.
Variant type: single nucleotide variant.
Coding change: c.4018T>G on transcript NM_033400.3 (MANE Select); coding-DNA position 4018, T replaced by G.
Protein change: p.Phe1340Val; replaces phenylalanine 1340 with valine.
Molecular consequence: missense variant.
Genome position (GRCh38, 1-based): chr14:23,525,924, A>C on the plus strand (T>G on the coding strand, the complement: ZFHX2 is on the minus strand). VCF-style: chr14-23525924-A-C. GRCh37 (hg19) VCF-style: chr14-23995133-A-C.
Other names: short protein forms F1340V.
Identifiers: ClinVar variation 717011 (VCV000717011.5), dbSNP rs185657154, ClinGen allele CA7116956.